The following is an entry in ClinVar:

NM_001032386.2(SUOX):c.872C>T (p.Ala291Val)

Gene: SUOX (sulfite oxidase; plus strand). Cytogenetic location: 12q13.2.
Variant type: single nucleotide variant.
Coding change: c.872C>T on transcript NM_001032386.2 (MANE Select); coding-DNA position 872, C replaced by T.
Protein change: p.Ala291Val; replaces alanine 291 with valine.
Molecular consequence: missense variant.
Genome position (GRCh38, 1-based): chr12:56,004,261, C>T. VCF-style: chr12-56004261-C-T. GRCh37 (hg19) VCF-style: chr12-56398045-C-T.
Other names: c.872C>T, p.Ala291Val (NM_000456.3, NM_001032387.2); short protein forms A291V.
Identifiers: ClinVar variation 1980886 (VCV001980886.4), dbSNP rs2540576741, ClinGen allele CA385288836.

ClinVar aggregate classification (germline): Uncertain significance (1 of 4 stars; one submission).

Conditions:
Sulfite oxidase deficiency. Also called: Isolated sulfite oxidase deficiency. Identifiers: Orphanet 833, Orphanet 99731, MedGen C0268624, MONDO:0010089, OMIM 272300, HP:0003643.

Allele frequency attached by ClinVar (database versions not stated): gnomAD exomes below 0.00001.
gnomAD v4.1: 1 of 1,614,088 alleles (0.000062%); highest among the groups gnomAD compares: Non-Finnish European, 0.000085%; no homozygotes.

Submission:

Labcorp Genetics (formerly Invitae), Labcorp
Classification: Uncertain significance for Sulfite oxidase deficiency. Last evaluated: 2022-09-19. Review status: criteria provided, single submitter. Criteria: Invitae Variant Classification Sherloc (09022015). Collection method: clinical testing. Allele origin: germline.
Comment: In summary, the available evidence is currently insufficient to determine the role of this variant in disease. Therefore, it has been classified as a Variant of Uncertain Significance. Advanced modeling of protein sequence and biophysical properties (such as structural, functional, and spatial information, amino acid conservation, physicochemical variation, residue mobility, and thermodynamic stability) performed at Invitae indicates that this missense variant is expected to disrupt SUOX protein function. This variant has not been reported in the literature in individuals affected with SUOX-related conditions. This variant is not present in population databases (gnomAD no frequency). This sequence change replaces alanine, which is neutral and non-polar, with valine, which is neutral and non-polar, at codon 291 of the SUOX protein (p.Ala291Val).